The following is an entry in ClinVar:

ClinVar aggregate classification (germline): Benign/Likely benign. Review status: criteria provided, multiple submitters, no conflicts (2 of 4 stars). 3 submissions from 3 submitters: Benign (1); Likely benign (1). 1 of the submissions does not count toward it. Last evaluated 2025-10-06.

Conditions:
CREB3L3-related disorder. Also called: CREB3L3-related condition.

Allele frequency attached by ClinVar (database versions not stated): ESP Exome Variant Server 0.00008; TOPMed 0.00023; gnomAD 0.00039; ExAC 0.00110; 1000 Genomes Project 0.00120; 1000 Genomes Project 30x 0.00141.
gnomAD v4.1: 868 of 1,614,072 alleles (0.054%); highest among the groups gnomAD compares: South Asian, 0.65%; 7 homozygotes.

Submissions (3):

Labcorp Genetics (formerly Invitae), Labcorp
Classification: Benign. Last evaluated: 2025-10-06. Review status: criteria provided, single submitter. Criteria: Invitae Variant Classification Sherloc (09022015). Collection method: clinical testing. Allele origin: germline.

Blueprint Genetics
Classification: Likely benign. Last evaluated: 2024-11-28. Review status: criteria provided, single submitter. Criteria: ACMG Guidelines, 2015. Collection method: clinical testing. Allele origin: germline.

PreventionGenetics, part of Exact Sciences
Classification: Likely benign for CREB3L3-related condition. Last evaluated: 2021-06-24. Review status: no assertion criteria provided. Collection method: clinical testing. Allele origin: germline. Not counted in ClinVar's aggregate classification.
Comment: This variant is classified as likely benign based on ACMG/AMP sequence variant interpretation guidelines (Richards et al. 2015 PMID: 25741868, with internal and published modifications).

NM_032607.3(CREB3L3):c.700C>G (p.Leu234Val)

Gene: CREB3L3 (cAMP responsive element binding protein 3 like 3; plus strand). Cytogenetic location: 19p13.3.
Variant type: single nucleotide variant.
Coding change: c.700C>G on transcript NM_032607.3 (MANE Select); coding-DNA position 700, C replaced by G.
Protein change: p.Leu234Val; replaces leucine 234 with valine.
Molecular consequence: missense variant.
Genome position (GRCh38, 1-based): chr19:4,164,626, C>G. VCF-style: chr19-4164626-C-G. GRCh37 (hg19) VCF-style: chr19-4164623-C-G.
Other names: c.697C>G, p.Leu233Val (NM_001271995.2); c.694C>G, p.Leu232Val (NM_001271996.2); c.700C>G, p.Leu234Val (NM_001271997.2); c.700C>G (NM_032607.2); short protein forms L234V, L233V, L232V.
Identifiers: ClinVar variation 2049558 (VCV002049558.7), dbSNP rs199855279, ClinGen allele CA9091418.